The following is an entry in ClinVar:

NM_004727.3(SLC24A1):c.3050+3G>A

Gene: SLC24A1 (solute carrier family 24 member 1; plus strand). Cytogenetic location: 15q22.31.
Variant type: single nucleotide variant.
Coding change: c.3050+3G>A on transcript NM_004727.3 (MANE Select); 3 bases into the intron after coding-DNA position 3050, G replaced by A.
Molecular consequence: intron variant.
Genome position (GRCh38, 1-based): chr15:65,652,811, G>A. VCF-style: chr15-65652811-G-A. GRCh37 (hg19) VCF-style: chr15-65945149-G-A.
Other names: c.3050+3G>A (NM_004727.2); c.2996+3G>A (NM_001301033.2, NM_001301032.1); c.2960+3G>A (NM_001301031.1); c.1031+3G>A (NM_001254740.2).
Identifiers: ClinVar variation 1925545 (VCV001925545.6), dbSNP rs758702980, ClinGen allele CA7620299.

ClinVar aggregate classification (germline): Uncertain significance. Review status: criteria provided, single submitter (1 of 4 stars). 2 submissions from 2 submitters: Uncertain significance (1). 1 of the submissions does not count toward it. Last evaluated 2024-12-02.

Conditions:
SLC24A1-related disorder. Also called: SLC24A1-related condition.

Allele frequency attached by ClinVar (database versions not stated): ExAC 0.00001.
gnomAD v4.1: 23 of 1,589,054 alleles (0.0014%); highest among the groups gnomAD compares: Admixed American, 0.0051%; no homozygotes.

Submissions (2):

Labcorp Genetics (formerly Invitae), Labcorp
Classification: Uncertain significance. Last evaluated: 2024-12-02. Review status: criteria provided, single submitter. Criteria: Invitae Variant Classification Sherloc (09022015). Collection method: clinical testing. Allele origin: germline.
Comment: This sequence change falls in intron 9 of the SLC24A1 gene. It does not directly change the encoded amino acid sequence of the SLC24A1 protein. It affects a nucleotide within the consensus splice site. This variant is present in population databases (rs758702980, gnomAD 0.003%). This variant has not been reported in the literature in individuals affected with SLC24A1-related conditions. ClinVar contains an entry for this variant (Variation ID: 1925545). Variants that disrupt the consensus splice site are a relatively common cause of aberrant splicing (PMID: 17576681, 9536098). Algorithms developed to predict the effect of sequence changes on RNA splicing suggest that this variant is not likely to affect RNA splicing. In summary, the available evidence is currently insufficient to determine the role of this variant in disease. Therefore, it has been classified as a Variant of Uncertain Significance.

PreventionGenetics, part of Exact Sciences
Classification: Likely benign for SLC24A1-related condition. Last evaluated: 2019-07-23. Review status: no assertion criteria provided. Collection method: clinical testing. Allele origin: germline. Not counted in ClinVar's aggregate classification.
Comment: This variant is classified as likely benign based on ACMG/AMP sequence variant interpretation guidelines (Richards et al. 2015 PMID: 25741868, with internal and published modifications).

Literature cited by the submitters: PubMed 17576681 (cited by Labcorp Genetics (formerly Invitae), Labcorp); PubMed 9536098 (cited by Labcorp Genetics (formerly Invitae), Labcorp).